The following is an entry in ClinVar:

ClinVar aggregate classification (germline): Uncertain significance. Review status: criteria provided, multiple submitters, no conflicts (2 of 4 stars). 2 submissions from 2 submitters: Uncertain significance (2). Last evaluated 2024-05-22.

Conditions:
Hereditary cancer-predisposing syndrome. Also called: Neoplastic Syndromes, Hereditary; Hereditary Cancer Syndrome; Tumor predisposition; Hereditary neoplastic syndrome. Identifiers: Orphanet 140162, MedGen C0027672, MeSH D009386, MONDO:0015356.
Ataxia-telangiectasia syndrome (AT). Also called: Cerebello-oculocutaneous telangiectasia; Immunodeficiency with ataxia telangiectasia; ATAXIA-TELANGIECTASIA, COMPLEMENTATION GROUP A; ATAXIA-TELANGIECTASIA, FRESNO VARIANT; Ataxia-telangiectasia, complementation group E; LOUIS-BAR SYNDROME. Identifiers: Orphanet 100, MedGen C0004135, MONDO:0008840, OMIM 208900.

Allele frequency attached by ClinVar (database versions not stated): gnomAD exomes below 0.00001.

Submissions (2):

Ambry Genetics
Classification: Uncertain significance for Hereditary cancer-predisposing syndrome. Last evaluated: 2024-05-22. Review status: criteria provided, single submitter. Criteria: Ambry Variant Classification Scheme 2023. Collection method: clinical testing. Allele origin: germline.
Comment: The p.S1152P variant (also known as c.3454T>C), located in coding exon 23 of the ATM gene, results from a T to C substitution at nucleotide position 3454. The serine at codon 1152 is replaced by proline, an amino acid with similar properties. This amino acid position is not well conserved in available vertebrate species. In addition, the in silico prediction for this alteration is inconclusive. Based on the available evidence, the clinical significance of this variant remains unclear.

Labcorp Genetics (formerly Invitae), Labcorp
Classification: Uncertain significance for Ataxia-telangiectasia syndrome. Last evaluated: 2023-05-27. Review status: criteria provided, single submitter. Criteria: Invitae Variant Classification Sherloc (09022015). Collection method: clinical testing. Allele origin: germline.
Comment: This sequence change replaces serine, which is neutral and polar, with proline, which is neutral and non-polar, at codon 1152 of the ATM protein (p.Ser1152Pro). This variant is present in population databases (no rsID available, gnomAD 0.0009%). This variant has not been reported in the literature in individuals affected with ATM-related conditions. ClinVar contains an entry for this variant (Variation ID: 1511868). An algorithm developed to predict the effect of missense changes on protein structure and function (PolyPhen-2) suggests that this variant¬†is likely to be tolerated. In summary, the available evidence is currently insufficient to determine the role of this variant in disease. Therefore, it has been classified as a Variant of Uncertain Significance.

NM_000051.4(ATM):c.3454T>C (p.Ser1152Pro)

Gene: ATM (ATM serine/threonine kinase; plus strand). Cytogenetic location: 11q22.3.
Variant type: single nucleotide variant.
Coding change: c.3454T>C on transcript NM_000051.4 (MANE Select); coding-DNA position 3454, T replaced by C.
Protein change: p.Ser1152Pro; replaces serine 1152 with proline.
Molecular consequence: missense variant.
Genome position (GRCh38, 1-based): chr11:108,281,046, T>C. VCF-style: chr11-108281046-T-C. GRCh37 (hg19) VCF-style: chr11-108151773-T-C.
Other names: c.3454T>C (NM_000051.3); c.3454T>C, p.Ser1152Pro (NM_001351834.2); short protein forms S1152P.
Identifiers: ClinVar variation 1511868 (VCV001511868.8), dbSNP rs1176188506, ClinGen allele CA382519353.
Genomic context (GRCh38, chr11:108,281,046, plus strand): 5'-CTTTTTAAGTCCCATAGTGCTGAGAACCCTGAAACTTTGGATGAAATTTATAATAGAAAA[T>C]CTGTTTTACTGACGTTGATAGCTGTGGTTTTATCCTGTAGCCCTATCTGCGAAAAACAGG-3'
Protein context (NP_000042.3, residues 1142-1162): ETLDEIYNRK[Ser1152Pro]VLLTLIAVVL